The following is an entry in ClinVar:

ClinVar aggregate classification (germline): Uncertain significance (1 of 4 stars; one submission).

Allele frequency attached by ClinVar (database versions not stated): gnomAD exomes below 0.00001; ExAC 0.00001.
gnomAD v4.1: 5 of 1,612,908 alleles (0.00031%); highest among the groups gnomAD compares: East Asian, 0.0022%; no homozygotes.

Submission:

Labcorp Genetics (formerly Invitae), Labcorp
Classification: Uncertain significance. Last evaluated: 2023-07-03. Review status: criteria provided, single submitter. Criteria: Invitae Variant Classification Sherloc (09022015). Collection method: clinical testing. Allele origin: germline.
Comment: This sequence change replaces valine, which is neutral and non-polar, with alanine, which is neutral and non-polar, at codon 1441 of the MPDZ protein (p.Val1441Ala). The frequency data for this variant in the population databases is considered unreliable, as metrics indicate poor data quality at this position in the gnomAD database. This variant has not been reported in the literature in individuals affected with MPDZ-related conditions. An algorithm developed to predict the effect of missense changes on protein structure and function (PolyPhen-2) suggests that this variant is likely to be disruptive. In summary, the available evidence is currently insufficient to determine the role of this variant in disease. Therefore, it has been classified as a Variant of Uncertain Significance.

NM_001378778.1(MPDZ):c.4322T>C (p.Val1441Ala)

Gene: MPDZ (multiple PDZ domain crumbs cell polarity complex component; minus strand). Cytogenetic location: 9p23.
Variant type: single nucleotide variant.
Coding change: c.4322T>C on transcript NM_001378778.1 (MANE Select); coding-DNA position 4322, T replaced by C.
Protein change: p.Val1441Ala; replaces valine 1441 with alanine.
Molecular consequence: missense variant.
Genome position (GRCh38, 1-based): chr9:13,136,153, A>G on the plus strand (T>C on the coding strand, the complement: MPDZ is on the minus strand). VCF-style: chr9-13136153-A-G. GRCh37 (hg19) VCF-style: chr9-13136152-A-G.
Other names: c.4223T>C, p.Val1408Ala (NM_001261406.2, NM_001261407.2, NM_001375416.1 and 3 more transcripts); c.4322T>C, p.Val1441Ala (NM_001330637.2, NM_001375413.1, NM_003829.5); c.4112T>C, p.Val1371Ala (NM_001375420.1, NM_001375421.1, NM_001375422.1 and 4 more transcripts); c.3914T>C, p.Val1305Ala (NM_001375427.1); short protein forms V1305A, V1441A, V1371A, V1408A.
Identifiers: ClinVar variation 2730416 (VCV002730416.3), dbSNP rs762328570, ClinGen allele CA4986759.